The following is an entry in ClinVar:

NM_000260.4(MYO7A):c.3098G>A (p.Gly1033Asp)

Gene: MYO7A (myosin VIIA; plus strand). Cytogenetic location: 11q13.5.
Variant type: single nucleotide variant.
Coding change: c.3098G>A on transcript NM_000260.4 (MANE Select); coding-DNA position 3098, G replaced by A.
Protein change: p.Gly1033Asp; replaces glycine 1033 with aspartic acid.
Molecular consequence: missense variant.
Genome position (GRCh38, 1-based): chr11:77,182,144, G>A. VCF-style: chr11-77182144-G-A. GRCh37 (hg19) VCF-style: chr11-76893190-G-A.
Other names: c.3098G>A, p.Gly1033Asp (NM_001127180.2); c.3065G>A, p.Gly1022Asp (NM_001369365.1); short protein forms G1033D, G1022D.
Identifiers: ClinVar variation 3714289 (VCV003714289.2).

ClinVar aggregate classification (germline): Uncertain significance (1 of 4 stars; one submission).

gnomAD v4.1: 1 of 1,613,152 alleles (0.000062%); highest among the groups gnomAD compares: African/African-American, 0.0013%; no homozygotes.

Submission:

Labcorp Genetics (formerly Invitae), Labcorp
Classification: Uncertain significance. Last evaluated: 2024-02-17. Review status: criteria provided, single submitter. Criteria: Invitae Variant Classification Sherloc (09022015). Collection method: clinical testing. Allele origin: germline.
Comment: This sequence change replaces glycine, which is neutral and non-polar, with aspartic acid, which is acidic and polar, at codon 1033 of the MYO7A protein (p.Gly1033Asp). This variant is not present in population databases (gnomAD no frequency). This variant has not been reported in the literature in individuals affected with MYO7A-related conditions. Advanced modeling of protein sequence and biophysical properties (such as structural, functional, and spatial information, amino acid conservation, physicochemical variation, residue mobility, and thermodynamic stability) performed at Invitae indicates that this missense variant is not expected to disrupt MYO7A protein function with a negative predictive value of 95%. In summary, the available evidence is currently insufficient to determine the role of this variant in disease. Therefore, it has been classified as a Variant of Uncertain Significance.